The following is an entry in ClinVar:

NM_001128205.2(SULF1):c.647T>G (p.Met216Arg)

Gene: SULF1 (sulfatase 1; plus strand). Cytogenetic location: 8q13.2.
Variant type: single nucleotide variant.
Coding change: c.647T>G on transcript NM_001128205.2 (MANE Select); coding-DNA position 647, T replaced by G.
Protein change: p.Met216Arg; replaces methionine 216 with arginine.
Molecular consequence: missense variant. On other transcripts: non-coding transcript variant (6), 5 prime UTR variant (1).
Genome position (GRCh38, 1-based): chr8:69,589,054, T>G. VCF-style: chr8-69589054-T-G. GRCh37 (hg19) VCF-style: chr8-70501289-T-G.
Other names: c.647T>G, p.Met216Arg (NM_001412851.1, NM_015170.3, NM_001412829.1 and 18 more transcripts); c.461T>G, p.Met154Arg (NM_001412841.1, NM_001412842.1); c.47T>G, p.Met16Arg (NM_001412844.1, NM_001412845.1); c.-1129T>G (NM_001412846.1); short protein forms M154R, M216R, M16R.
Identifiers: ClinVar variation 3722820 (VCV003722820.2).

ClinVar aggregate classification (germline): Uncertain significance (1 of 4 stars; one submission).

Submission:

Labcorp Genetics (formerly Invitae), Labcorp
Classification: Uncertain significance. Last evaluated: 2024-10-12. Review status: criteria provided, single submitter. Criteria: Invitae Variant Classification Sherloc (09022015). Collection method: clinical testing. Allele origin: germline.
Comment: This sequence change replaces methionine, which is neutral and non-polar, with arginine, which is basic and polar, at codon 216 of the SULF1 protein (p.Met216Arg). This variant is not present in population databases (gnomAD no frequency). This variant has not been reported in the literature in individuals affected with SULF1-related conditions. An algorithm developed to predict the effect of missense changes on protein structure and function (PolyPhen-2) suggests that this variant is likely to be disruptive. In summary, the available evidence is currently insufficient to determine the role of this variant in disease. Therefore, it has been classified as a Variant of Uncertain Significance.